The following is an entry in ClinVar:

ClinVar aggregate classification (germline): Uncertain significance (1 of 4 stars; one submission).

Submission:

Labcorp Genetics (formerly Invitae), Labcorp
Classification: Uncertain significance. Last evaluated: 2022-05-27. Review status: criteria provided, single submitter. Criteria: Invitae Variant Classification Sherloc (09022015). Collection method: clinical testing. Allele origin: germline.
Comment: In summary, the available evidence is currently insufficient to determine the role of this variant in disease. Therefore, it has been classified as a Variant of Uncertain Significance. Algorithms developed to predict the effect of missense changes on protein structure and function are either unavailable or do not agree on the potential impact of this missense change (SIFT: "Deleterious"; PolyPhen-2: "Benign"; Align-GVGD: "Class C0"). This variant has not been reported in the literature in individuals affected with EFEMP1-related conditions. This variant is not present in population databases (gnomAD no frequency). This sequence change replaces valine, which is neutral and non-polar, with leucine, which is neutral and non-polar, at codon 445 of the EFEMP1 protein (p.Val445Leu).

NM_001039348.3(EFEMP1):c.1333G>C (p.Val445Leu)

Gene: EFEMP1 (EGF-like fibulin extracellular matrix protein 1; minus strand). Cytogenetic location: 2p16.1.
Variant type: single nucleotide variant.
Coding change: c.1333G>C on transcript NM_001039348.3 (MANE Select); coding-DNA position 1333, G replaced by C.
Protein change: p.Val445Leu; replaces valine 445 with leucine.
Molecular consequence: missense variant.
Genome position (GRCh38, 1-based): chr2:55,867,222, C>G on the plus strand (G>C on the coding strand, the complement: EFEMP1 is on the minus strand). VCF-style: chr2-55867222-C-G. GRCh37 (hg19) VCF-style: chr2-56094357-C-G.
Other names: c.1333G>C, p.Val445Leu (NM_001039349.3); short protein forms V445L.
Identifiers: ClinVar variation 1507322 (VCV001507322.8), dbSNP rs1668611394, ClinGen allele CA347027585.
Genomic context (GRCh38, chr2:55,867,222, plus strand): 5'-GGTCCACGATATGTTCTCTTGGTCCTGATAATGACTTCACGAGCACAAGCATTGCACTTA[C>G]AGGACTTGTTTGCTAAAATAAAAGAAAATAGAGAAAGGAAGAGAATAATTTTCTTGGATT-3'
Protein context (NP_001034437.1, residues 435-455): GEFYLRQTSP[Val445Leu]SAMLVLVKSL